The following is an entry in ClinVar:

NM_025103.4(IFT74):c.1213A>C (p.Asn405His)

Gene: IFT74 (intraflagellar transport 74; plus strand). Cytogenetic location: 9p21.2.
Variant type: single nucleotide variant.
Coding change: c.1213A>C on transcript NM_025103.4 (MANE Select); coding-DNA position 1213, A replaced by C.
Protein change: p.Asn405His; replaces asparagine 405 with histidine.
Molecular consequence: missense variant.
Genome position (GRCh38, 1-based): chr9:27,048,154, A>C. VCF-style: chr9-27048154-A-C. GRCh37 (hg19) VCF-style: chr9-27048152-A-C.
Other names: c.1213A>C, p.Asn405His (NM_001099222.3, NM_001099223.3, NM_001349928.2); short protein forms N405H.
Identifiers: ClinVar variation 1937797 (VCV001937797.5), dbSNP rs1327443256, ClinGen allele CA373125668.

ClinVar aggregate classification (germline): Uncertain significance (1 of 4 stars; one submission).

Allele frequency attached by ClinVar (database versions not stated): gnomAD exomes below 0.00001.
gnomAD v4.1: 6 of 1,569,582 alleles (0.00038%); highest among the groups gnomAD compares: Non-Finnish European, 0.00052%; no homozygotes.

Submission:

Labcorp Genetics (formerly Invitae), Labcorp
Classification: Uncertain significance. Last evaluated: 2022-10-24. Review status: criteria provided, single submitter. Criteria: Invitae Variant Classification Sherloc (09022015). Collection method: clinical testing. Allele origin: germline.
Comment: In summary, the available evidence is currently insufficient to determine the role of this variant in disease. Therefore, it has been classified as a Variant of Uncertain Significance. Algorithms developed to predict the effect of missense changes on protein structure and function are either unavailable or do not agree on the potential impact of this missense change (SIFT: "Tolerated"; PolyPhen-2: "Possibly Damaging"; Align-GVGD: "Class C0"). This variant has not been reported in the literature in individuals affected with IFT74-related conditions. This variant is present in population databases (no rsID available, gnomAD 0.001%). This sequence change replaces asparagine, which is neutral and polar, with histidine, which is basic and polar, at codon 405 of the IFT74 protein (p.Asn405His).